The following is an entry in ClinVar:

ClinVar aggregate classification (germline): Uncertain significance. Review status: criteria provided, multiple submitters, no conflicts (2 of 4 stars). 2 submissions from 2 submitters: Uncertain significance (2). Last evaluated 2026-01-19.

Allele frequency attached by ClinVar (database versions not stated): TOPMed 0.00001; gnomAD 0.00001.
gnomAD v4.1: 4 of 1,614,064 alleles (0.00025%); highest among the groups gnomAD compares: Admixed American, 0.0067%; no homozygotes.

Submissions (2):

Labcorp Genetics (formerly Invitae), Labcorp
Classification: Uncertain significance. Last evaluated: 2026-01-19. Review status: criteria provided, single submitter. Criteria: Invitae Variant Classification Sherloc (09022015). Collection method: clinical testing. Allele origin: germline.
Comment: This sequence change replaces glutamic acid, which is acidic and polar, with glycine, which is neutral and non-polar, at codon 26 of the ACACA protein (p.Glu26Gly). This variant is not present in population databases (gnomAD no frequency). This variant has not been reported in the literature in individuals affected with ACACA-related conditions. ClinVar contains an entry for this variant (Variation ID: 1906742). An algorithm developed to predict the effect of missense changes on protein structure and function (PolyPhen-2) suggests that this variant is likely to be disruptive. In summary, the available evidence is currently insufficient to determine the role of this variant in disease. Therefore, it has been classified as a Variant of Uncertain Significance.

Ambry Genetics
Classification: Uncertain significance. Last evaluated: 2024-05-15. Review status: criteria provided, single submitter. Criteria: Ambry Variant Classification Scheme 2023. Collection method: clinical testing. Allele origin: germline.

NM_198834.3(ACACA):c.188A>G (p.Glu63Gly)

Gene: ACACA (acetyl-CoA carboxylase alpha; minus strand). Cytogenetic location: 17q12.
Variant type: single nucleotide variant.
Coding change: c.188A>G on transcript NM_198834.3 (MANE Select); coding-DNA position 188, A replaced by G.
Protein change: p.Glu63Gly; replaces glutamic acid 63 with glycine.
Molecular consequence: missense variant.
Genome position (GRCh38, 1-based): chr17:37,330,323, T>C on the plus strand (A>G on the coding strand, the complement: ACACA is on the minus strand). VCF-style: chr17-37330323-T-C. GRCh37 (hg19) VCF-style: chr17-35687263-T-C.
Other names: c.77A>G (NM_198839.1); c.77A>G, p.Glu26Gly (NM_198836.3, NM_198839.3); short protein forms E26G, E63G.
Identifiers: ClinVar variation 1906742 (VCV001906742.6), dbSNP rs773638947, ClinGen allele CA398748333.
Genomic context (GRCh38, chr17:37,330,323, plus strand): 5'-TCCTTCTCCTCCAGTAGGTCCAACTTCACCAGGTTGCTGATCTCATCCTCTGAGTTATCT[T>C]CAGACACAGAACCTATTATGAATCGAGAGTGCTGGTTCAGCTCCAGAGGTTGGGCCAAGG-3'
Protein context (NP_942131.1, residues 53-73): HSRFIIGSVS[Glu63Gly]DNSEDEISNL